The following is an entry in ClinVar:

NM_000256.3(MYBPC3):c.705_706inv (p.Ser236Gly)

Gene: MYBPC3 (myosin binding protein C3; minus strand). Cytogenetic location: 11p11.2.
Variant type: Inversion.
Coding change: c.705_706inv on transcript NM_000256.3 (MANE Select).
Protein change: p.Ser236Gly; replaces serine 236 with glycine.
Molecular consequence: missense variant.
Genome position: GRCh38 VCF-style: chr11-47348490-TG-CA. GRCh37 (hg19) VCF-style: chr11-47370041-TG-CA.
Other names: c.705_706delinsTG (NM_000256.3); short protein forms S236G.
Identifiers: ClinVar variation 922707 (VCV000922707.10), ClinGen allele CA1139661942.

ClinVar aggregate classification (germline): Benign/Likely benign. Review status: criteria provided, multiple submitters, no conflicts (2 of 4 stars). 3 submissions from 3 submitters: Benign (1); Likely benign (2). Last evaluated 2026-01-12.

Conditions:
Hypertrophic cardiomyopathy. Also called: HYPERTROPHIC MYOCARDIOPATHY. Identifiers: Orphanet 217569, MedGen C0007194, MeSH D002312, MONDO:0005045, HP:0001639.
Cardiomyopathy (CMYO). Also called: Cardiomyopathies. Identifiers: Orphanet 167848, MedGen C0878544, MONDO:0004994, HP:0001638. Inheritance: Various modes of inheritance.

Submissions (3):

Labcorp Genetics (formerly Invitae), Labcorp
Classification: Likely benign for Hypertrophic cardiomyopathy. Last evaluated: 2026-01-12. Review status: criteria provided, single submitter. Criteria: Invitae Variant Classification Sherloc (09022015). Collection method: clinical testing. Allele origin: germline.

Color Diagnostics, LLC DBA Color Health
Classification: Likely benign for Cardiomyopathy. Last evaluated: 2023-05-15. Review status: criteria provided, single submitter. Criteria: ACMG Guidelines, 2015. Collection method: clinical testing. Allele origin: germline.

Women's Health and Genetics/Laboratory Corporation of America, LabCorp
Classification: Benign. Last evaluated: 2019-11-18. Review status: criteria provided, single submitter. Criteria: LabCorp Variant Classification Summary - May 2015. Collection method: clinical testing. Allele origin: germline.
Comment: Variant summary: MYBPC3 c.705_706delinsTG (p.Ser236Gly) results in a non-conservative amino acid change located in the Immunoglobulin-like domain of the encoded protein sequence. This delins variant involves two single nucleotide changes, 11-47370041-T-C and 11-47370042-G-A, one of which results in a synonymous change while the other results in p.Ser236Gly. p.Ser236Gly is present in the gnomad database at a high frequency (9.6%), indicating the variant to be benign. Additionally, the p.Ser236Gly variant is classified as likely benign/bening by 6 clinvar submitters after 2014, and has been classified as benign by our lab. Based on the evidence outlined above, the variant was classified as benign.